The following is an entry in ClinVar:

NM_002190.3(IL17A):c.*159G>A

Gene: IL17A (interleukin 17A; plus strand). Cytogenetic location: 6p12.2.
Variant type: single nucleotide variant.
Coding change: c.*159G>A on transcript NM_002190.3 (MANE Select); 159 bases downstream of the stop codon, G replaced by A.
Molecular consequence: 3 prime UTR variant.
Genome position (GRCh38, 1-based): chr6:52,189,451, G>A. VCF-style: chr6-52189451-G-A. GRCh37 (hg19) VCF-style: chr6-52054249-G-A.
Identifiers: ClinVar variation 1266947 (VCV001266947.2), dbSNP rs7747909, ClinGen allele CA138932625.

ClinVar aggregate classification (germline): Benign (1 of 4 stars; one submission).

Allele frequency attached by ClinVar (database versions not stated): 1000 Genomes Project 0.11142; 1000 Genomes Project 30x 0.11243; TOPMed 0.17330; gnomAD 0.17917 and 0.18179; gnomAD exomes 0.19926.
gnomAD v4.1: 111,020 of 570,854 alleles (19%); highest among the groups gnomAD compares: Middle Eastern, 25%; 12,375 homozygotes.

Submission:

GeneDx
Classification: Benign. Last evaluated: 2021-06-19. Review status: criteria provided, single submitter. Criteria: GeneDx Variant Classification Process June 2021. Collection method: clinical testing. Allele origin: germline. Affected: yes.
Comment: This variant is associated with the following publications: (PMID: 26765636)